The following is an entry in ClinVar:

ClinVar aggregate classification (germline): Uncertain significance (1 of 4 stars; one submission).

Submission:

GeneDx
Classification: Uncertain significance. Last evaluated: 2026-02-12. Review status: criteria provided, single submitter. Criteria: GeneDx Variant Classification Process June 2021. Collection method: clinical testing. Allele origin: germline.
Comment: Not observed at significant frequency in large population cohorts (gnomAD); In silico analysis suggests that this missense variant does not alter protein structure/function; Has not been previously published as pathogenic or benign to our knowledge

NM_004973.4(JARID2):c.276C>A (p.Ser92Arg)

Gene: JARID2 (jumonji and AT-rich interaction domain containing 2; plus strand). Cytogenetic location: 6p22.3.
Variant type: single nucleotide variant.
Coding change: c.276C>A on transcript NM_004973.4 (MANE Select); coding-DNA position 276, C replaced by A.
Protein change: p.Ser92Arg; replaces serine 92 with arginine.
Molecular consequence: missense variant. On other transcripts: 5 prime UTR variant (1).
Genome position (GRCh38, 1-based): chr6:15,410,318, C>A. VCF-style: chr6-15410318-C-A. GRCh37 (hg19) VCF-style: chr6-15410549-C-A.
Other names: c.-241C>A (NM_001267040.1); short protein forms S92R.
Identifiers: ClinVar variation 4976475 (VCV004976475.1).
Genomic context (GRCh38, chr6:15,410,318, plus strand): 5'-ACCAGCATCAGAACAGTCAGAGAATGAAAAGGACGATGCATCCCAAGTGTCCTCCACTAG[C>A]AACGATGTTAGTTCTTCAGATTTTGAAGAAGGGCCGTCGAGGAAAAGGTTAGTACCCAAG-3'
Protein context (NP_004964.2, residues 82-102): KDDASQVSST[Ser92Arg]NDVSSSDFEE